The following is an entry in ClinVar:

NM_001369.3(DNAH5):c.4736C>A (p.Ser1579Ter)

Genes: DNAH5 (dynein axonemal heavy chain 5; minus strand), DNAH5-AS1 (DNAH5 antisense RNA 1; plus strand). Cytogenetic location: 5p15.2.
Variant type: single nucleotide variant.
Coding change: c.4736C>A on transcript NM_001369.3 (MANE Select); coding-DNA position 4736, C replaced by A.
Protein change: p.Ser1579Ter; replaces serine 1579 with a stop codon.
Molecular consequence: nonsense.
Genome position (GRCh38, 1-based): chr5:13,862,608, G>T on the plus strand (C>A on the coding strand, the complement: DNAH5 is on the minus strand). VCF-style: chr5-13862608-G-T. GRCh37 (hg19) VCF-style: chr5-13862717-G-T.
Other names: short protein forms S1579*.
Identifiers: ClinVar variation 5013114 (VCV005013114.1).

ClinVar aggregate classification (germline): Pathogenic (1 of 4 stars; one submission).

Conditions:
Primary ciliary dyskinesia 3. Identifiers: Orphanet 244, MedGen C1837618, MONDO:0012085, OMIM 608644.

gnomAD v4.1: 1 of 1,613,952 alleles (0.000062%); highest among the groups gnomAD compares: Non-Finnish European, 0.000085%; no homozygotes.

Submission:

Myriad Genetics, Inc.
Classification: Pathogenic for Primary ciliary dyskinesia 3. Last evaluated: 2024-05-25. Review status: criteria provided, single submitter. Criteria: Myriad Autosomal Dominant, Autosomal Recessive and X-Linked Classification Criteria (2023). Collection method: clinical testing. Allele origin: unknown.
Comment: NM_001369.2(DNAH5):c.4736C>A(S1579*) is expected to be pathogenic in the context of primary ciliary dyskinesia, DNAH5-related. This variant is predicted to lead to an abnormal or absent protein product due to the creation of a premature termination codon in DNAH5, a gene where loss-of-function variants are known to be pathogenic. Please note: this variant was assessed in the context of healthy population screening.